The following is an entry in ClinVar:

NM_000059.4(BRCA2):c.5140T>A (p.Tyr1714Asn)

Gene: BRCA2 (BRCA2 DNA repair associated; plus strand). Cytogenetic location: 13q13.1.
Variant type: single nucleotide variant.
Coding change: c.5140T>A on transcript NM_000059.4 (MANE Select); coding-DNA position 5140, T replaced by A.
Protein change: p.Tyr1714Asn; replaces tyrosine 1714 with asparagine.
Molecular consequence: missense variant.
Genome position (GRCh38, 1-based): chr13:32,339,495, T>A. VCF-style: chr13-32339495-T-A. GRCh37 (hg19) VCF-style: chr13-32913632-T-A.
Other names: c.5140T>A, p.Tyr1714Asn (NM_001406719.1, NM_001406720.1); short protein forms Y1714N.
Identifiers: ClinVar variation 1745610 (VCV001745610.4), dbSNP rs2137514343, ClinGen allele CA387784196.

ClinVar aggregate classification (germline): Conflicting classifications of pathogenicity. Review status: criteria provided, conflicting classifications (1 of 4 stars). 2 submissions from 2 submitters: Uncertain significance (1); Likely benign (1). Last evaluated 2023-03-23.

Conditions:
Hereditary cancer-predisposing syndrome. Also called: Hereditary Cancer Syndrome; Neoplastic Syndromes, Hereditary; Tumor predisposition; Hereditary neoplastic syndrome. Identifiers: Orphanet 140162, MedGen C0027672, MeSH D009386, MONDO:0015356.

Submissions (2):

University of Washington Department of Laboratory Medicine, University of Washington
Classification: Likely benign for Hereditary cancer-predisposing syndrome. Last evaluated: 2023-03-23. Review status: criteria provided, single submitter. Criteria: Dines et al. (Genet Med. 2020). Collection method: curation. Allele origin: germline.
Comment: Missense variant in a coldspot region where missense variants are very unlikely to be pathogenic (PMID:31911673).

BRCA2 exon 11 coldspot. Reclassification based on statistical prior probability.

Ambry Genetics
Classification: Uncertain significance for Hereditary cancer-predisposing syndrome. Last evaluated: 2020-08-14. Review status: criteria provided, single submitter. Criteria: Ambry Variant Classification Scheme 2023. Collection method: clinical testing. Allele origin: germline.
Comment: The p.Y1714N variant (also known as c.5140T>A), located in coding exon 10 of the BRCA2 gene, results from a T to A substitution at nucleotide position 5140. The tyrosine at codon 1714 is replaced by asparagine, an amino acid with dissimilar properties. This amino acid position is poorly conserved in available vertebrate species. In addition, this alteration is predicted to be tolerated by in silico analysis. Since supporting evidence is limited at this time, the clinical significance of this alteration remains unclear.